The following is an entry in ClinVar:

NM_001605.3(AARS1):c.2470A>G (p.Lys824Glu)

Gene: AARS1 (alanyl-tRNA synthetase 1; minus strand). Cytogenetic location: 16q22.1.
Variant type: single nucleotide variant.
Coding change: c.2470A>G on transcript NM_001605.3 (MANE Select); coding-DNA position 2470, A replaced by G.
Protein change: p.Lys824Glu; replaces lysine 824 with glutamic acid.
Molecular consequence: missense variant.
Genome position (GRCh38, 1-based): chr16:70,253,969, T>C on the plus strand (A>G on the coding strand, the complement: AARS1 is on the minus strand). VCF-style: chr16-70253969-T-C. GRCh37 (hg19) VCF-style: chr16-70287872-T-C.
Other names: short protein forms K824E.
Identifiers: ClinVar variation 4077756 (VCV004077756.2).

ClinVar aggregate classification (germline): Uncertain significance. Review status: criteria provided, multiple submitters, no conflicts (2 of 4 stars). 2 submissions from 2 submitters: Uncertain significance (2). Last evaluated 2025-08-04.

Conditions:
Charcot-Marie-Tooth disease type 2. Also called: Charcot-Marie-Tooth type 2. Identifiers: Orphanet 64746, MedGen C0270914, MONDO:0018993.

gnomAD v4.1: 3 of 1,614,142 alleles (0.00019%); highest among the groups gnomAD compares: South Asian, 0.0011%; no homozygotes.

Submissions (2):

Labcorp Genetics (formerly Invitae), Labcorp
Classification: Uncertain significance for Charcot-Marie-Tooth disease type 2. Last evaluated: 2025-08-04. Review status: criteria provided, single submitter. Criteria: Invitae Variant Classification Sherloc (09022015). Collection method: clinical testing. Allele origin: germline.
Comment: This sequence change replaces lysine, which is basic and polar, with glutamic acid, which is acidic and polar, at codon 824 of the AARS protein (p.Lys824Glu). This variant is present in population databases (no rsID available, gnomAD 0.003%). This variant has not been reported in the literature in individuals affected with AARS-related conditions. Invitae Evidence Modeling of protein sequence and biophysical properties (such as structural, functional, and spatial information, amino acid conservation, physicochemical variation, residue mobility, and thermodynamic stability) indicates that this missense variant is not expected to disrupt AARS protein function with a negative predictive value of 95%. In summary, the available evidence is currently insufficient to determine the role of this variant in disease. Therefore, it has been classified as a Variant of Uncertain Significance.

Revvity Omics, Revvity
Classification: Uncertain significance. Last evaluated: 2024-06-20. Review status: criteria provided, single submitter. Criteria: ACMG Guidelines, 2015. Collection method: clinical testing. Allele origin: germline.